The following is an entry in ClinVar:

NM_001709.5(BDNF):c.508G>A (p.Val170Ile)

Genes: BDNF (brain derived neurotrophic factor; minus strand), BDNF-AS (BDNF antisense RNA; plus strand). Cytogenetic location: 11p14.1.
Variant type: single nucleotide variant.
Coding change: c.508G>A on transcript NM_001709.5 (MANE Select); coding-DNA position 508, G replaced by A.
Protein change: p.Val170Ile; replaces valine 170 with isoleucine.
Molecular consequence: missense variant.
Genome position (GRCh38, 1-based): chr11:27,658,057, C>T on the plus strand (G>A on the coding strand, the complement: BDNF is on the minus strand). VCF-style: chr11-27658057-C-T. GRCh37 (hg19) VCF-style: chr11-27679604-C-T.
Other names: c.508G>A, p.Val170Ile (NM_001143805.1, NM_001143806.1, NM_001143807.2 and 9 more transcripts); c.595G>A, p.Val199Ile (NM_001143809.2); c.754G>A, p.Val252Ile (NM_001143810.2); c.532G>A, p.Val178Ile (NM_170731.5); c.553G>A, p.Val185Ile (NM_170734.4); short protein forms V170I, V178I, V185I, V199I, V252I.
Identifiers: ClinVar variation 3356731 (VCV003356731.1).

ClinVar aggregate classification (germline): Uncertain significance (0 of 4 stars; one submission).

Conditions:
BDNF-related disorder. Also called: BDNF-related condition.

gnomAD v4.1: 6 of 1,614,136 alleles (0.00037%); highest among the groups gnomAD compares: Admixed American, 0.0083%; no homozygotes.

Submission:

PreventionGenetics, part of Exact Sciences
Classification: Uncertain significance for BDNF-related condition. Last evaluated: 2024-04-17. Review status: no assertion criteria provided. Collection method: clinical testing. Allele origin: germline.
Comment: The BDNF c.754G>A variant is predicted to result in the amino acid substitution p.Val252Ile. To our knowledge, this variant has not been reported in the literature. This variant is reported in 0.012% of alleles in individuals of Latino descent in gnomAD. At this time, the clinical significance of this variant is uncertain due to the absence of conclusive functional and genetic evidence.